The following is an entry in ClinVar:

ClinVar aggregate classification (germline): Uncertain significance (1 of 4 stars; one submission).

Conditions:
Bloom syndrome (BLM). Also called: Bloom-Torre-Machacek syndrome. Identifiers: Orphanet 125, MedGen C0005859, MONDO:0008876, OMIM 210900.

Submission:

Labcorp Genetics (formerly Invitae), Labcorp
Classification: Uncertain significance for Bloom syndrome. Last evaluated: 2025-08-05. Review status: criteria provided, single submitter. Criteria: Invitae Variant Classification Sherloc (09022015). Collection method: clinical testing. Allele origin: germline.
Comment: This sequence change falls in intron 8 of the BLM gene. It does not directly change the encoded amino acid sequence of the BLM protein. It affects a nucleotide within the consensus splice site. This variant is not present in population databases (gnomAD no frequency). This variant has not been reported in the literature in individuals affected with BLM-related conditions. Variants that disrupt the consensus splice site are a relatively common cause of aberrant splicing (PMID: 17576681, 9536098). Algorithms developed to predict the effect of sequence changes on RNA splicing suggest that this variant may disrupt the consensus splice site. In summary, the available evidence is currently insufficient to determine the role of this variant in disease. Therefore, it has been classified as a Variant of Uncertain Significance.

Literature cited by the submitters: PubMed 17576681; PubMed 9536098.

NM_000057.4(BLM):c.2074+3A>G

Gene: BLM (BLM RecQ like helicase; plus strand). Cytogenetic location: 15q26.1.
Variant type: single nucleotide variant.
Coding change: c.2074+3A>G on transcript NM_000057.4 (MANE Select); 3 bases into the intron after coding-DNA position 2074, A replaced by G.
Molecular consequence: intron variant.
Genome position (GRCh38, 1-based): chr15:90,763,160, A>G. VCF-style: chr15-90763160-A-G. GRCh37 (hg19) VCF-style: chr15-91306390-A-G.
Other names: c.2074+3A>G (NM_001287246.2, NM_001287247.2); c.949+3A>G (NM_001287248.2).
Identifiers: ClinVar variation 4745642 (VCV004745642.1).